The following is an entry in ClinVar:

ClinVar aggregate classification (germline): Uncertain significance. Review status: criteria provided, multiple submitters, no conflicts (2 of 4 stars). 3 submissions from 3 submitters: Uncertain significance (3). Last evaluated 2025-10-29.

Conditions:
Dilated cardiomyopathy 1DD (CMD1DD). Identifiers: Orphanet 154, MedGen C2750995, MONDO:0013168, OMIM 613172.
Cardiovascular phenotype. Identifiers: MedGen CN230736.

Submissions (3):

Ambry Genetics
Classification: Uncertain significance for Cardiovascular phenotype. Last evaluated: 2025-10-29. Review status: criteria provided, single submitter. Criteria: Ambry Variant Classification Scheme 2023. Collection method: clinical testing. Allele origin: germline.
Comment: The p.P1220L variant (also known as c.3659C>T), located in coding exon 14 of the RBM20 gene, results from a C to T substitution at nucleotide position 3659. The proline at codon 1220 is replaced by leucine, an amino acid with similar properties. This amino acid position is highly conserved in available vertebrate species. In addition, this alteration is predicted to be deleterious by in silico analysis. Based on the available evidence, the clinical significance of this variant remains unclear.

GeneDx
Classification: Uncertain significance. Last evaluated: 2025-08-05. Review status: criteria provided, single submitter. Criteria: GeneDx Variant Classification Process June 2021. Collection method: clinical testing. Allele origin: germline. Affected: yes.
Comment: Not observed at significant frequency in large population cohorts (gnomAD); In silico analysis supports that this missense variant has a deleterious effect on protein structure/function; Has not been previously published as pathogenic or benign to our knowledge

Labcorp Genetics (formerly Invitae), Labcorp
Classification: Uncertain significance for Dilated cardiomyopathy 1DD. Last evaluated: 2024-03-19. Review status: criteria provided, single submitter. Criteria: Invitae Variant Classification Sherloc (09022015). Collection method: clinical testing. Allele origin: germline.
Comment: This sequence change replaces proline, which is neutral and non-polar, with leucine, which is neutral and non-polar, at codon 1220 of the RBM20 protein (p.Pro1220Leu). This variant is not present in population databases (gnomAD no frequency). This variant has not been reported in the literature in individuals affected with RBM20-related conditions. Advanced modeling of protein sequence and biophysical properties (such as structural, functional, and spatial information, amino acid conservation, physicochemical variation, residue mobility, and thermodynamic stability) has been performed at Invitae for this missense variant, however the output from this modeling did not meet the statistical confidence thresholds required to predict the impact of this variant on RBM20 protein function. In summary, the available evidence is currently insufficient to determine the role of this variant in disease. Therefore, it has been classified as a Variant of Uncertain Significance.

NM_001134363.3(RBM20):c.3659C>T (p.Pro1220Leu)

Gene: RBM20 (RNA binding motif protein 20; plus strand). Cytogenetic location: 10q25.2.
Variant type: single nucleotide variant.
Coding change: c.3659C>T on transcript NM_001134363.3 (MANE Select); coding-DNA position 3659, C replaced by T.
Protein change: p.Pro1220Leu; replaces proline 1220 with leucine.
Molecular consequence: missense variant.
Genome position (GRCh38, 1-based): chr10:110,835,953, C>T. VCF-style: chr10-110835953-C-T. GRCh37 (hg19) VCF-style: chr10-112595711-C-T.
Other names: short protein forms P1220L.
Identifiers: ClinVar variation 3719723 (VCV003719723.4).